The following is an entry in ClinVar:

NM_001292063.2(OTOG):c.698A>G (p.Gln233Arg)

Gene: OTOG (otogelin; plus strand). Cytogenetic location: 11p15.1.
Variant type: single nucleotide variant.
Coding change: c.698A>G on transcript NM_001292063.2 (MANE Select); coding-DNA position 698, A replaced by G.
Protein change: p.Gln233Arg; replaces glutamine 233 with arginine.
Molecular consequence: missense variant.
Genome position (GRCh38, 1-based): chr11:17,557,156, A>G. VCF-style: chr11-17557156-A-G. GRCh37 (hg19) VCF-style: chr11-17578703-A-G.
Other names: c.734A>G, p.Gln245Arg (NM_001277269.2); short protein forms Q233R, Q245R.
Identifiers: ClinVar variation 1683843 (VCV001683843.4), dbSNP rs905156944, ClinGen allele CA218493772.
Genomic context (GRCh38, chr11:17,557,156, plus strand): 5'-AGCTCTGGGATGTGCCCTGCAGGGTCCAACTGCCACATGTCATGGGGAGCGCGCGTCTGC[A>G]GCAGCTTGCCGGCTATGTCATCGTGCGGCATCAGTCAGCCTTCACACTGGCCTGGGATGG-3'
Protein context (NP_001278992.1, residues 223-243): LPHVMGSARL[Gln233Arg]QLAGYVIVRH

ClinVar aggregate classification (germline): Uncertain significance. Review status: criteria provided, multiple submitters, no conflicts (2 of 4 stars). 2 submissions from 2 submitters: Uncertain significance (2). Last evaluated 2022-07-12.

Allele frequency attached by ClinVar (database versions not stated): gnomAD 0.00001; gnomAD exomes 0.00002 and 0.00007; TOPMed 0.00003.
gnomAD v4.1: 13 of 1,550,464 alleles (0.00084%); highest among the groups gnomAD compares: Admixed American, 0.022%; no homozygotes.

Submissions (2):

Labcorp Genetics (formerly Invitae), Labcorp
Classification: Uncertain significance. Last evaluated: 2022-07-12. Review status: criteria provided, single submitter. Criteria: Invitae Variant Classification Sherloc (09022015). Collection method: clinical testing. Allele origin: germline.
Comment: This sequence change replaces glutamine, which is neutral and polar, with arginine, which is basic and polar, at codon 245 of the OTOG protein (p.Gln245Arg). This variant is present in population databases (no rsID available, gnomAD 0.04%). This variant has not been reported in the literature in individuals affected with OTOG-related conditions. ClinVar contains an entry for this variant (Variation ID: 1683843). Algorithms developed to predict the effect of missense changes on protein structure and function are either unavailable or do not agree on the potential impact of this missense change (SIFT: "Tolerated"; PolyPhen-2: "Possibly Damaging"; Align-GVGD: "Class C0"). In summary, the available evidence is currently insufficient to determine the role of this variant in disease. Therefore, it has been classified as a Variant of Uncertain Significance.

GeneDx
Classification: Uncertain significance. Last evaluated: 2022-04-29. Review status: criteria provided, single submitter. Criteria: GeneDx Variant Classification Process June 2021. Collection method: clinical testing. Allele origin: germline. Affected: yes.